The following is an entry in ClinVar:

NM_024312.5(GNPTAB):c.2087C>T (p.Pro696Leu)

Gene: GNPTAB (N-acetylglucosamine-1-phosphate transferase subunits alpha and beta; minus strand). Cytogenetic location: 12q23.2.
Variant type: single nucleotide variant.
Coding change: c.2087C>T on transcript NM_024312.5 (MANE Select); coding-DNA position 2087, C replaced by T.
Protein change: p.Pro696Leu; replaces proline 696 with leucine.
Molecular consequence: missense variant.
Genome position (GRCh38, 1-based): chr12:101,764,830, G>A on the plus strand (C>T on the coding strand, the complement: GNPTAB is on the minus strand). VCF-style: chr12-101764830-G-A. GRCh37 (hg19) VCF-style: chr12-102158608-G-A.
Other names: c.2087C>T (NM_024312.4); short protein forms P696L.
Identifiers: ClinVar variation 1042250 (VCV001042250.10), dbSNP rs1383772676, ClinGen allele CA386299021.

ClinVar aggregate classification (germline): Uncertain significance. Review status: criteria provided, multiple submitters, no conflicts (2 of 4 stars). 4 submissions from 4 submitters: Uncertain significance (3). 1 of the submissions does not count toward it. Last evaluated 2025-11-20.

Conditions:
Mucolipidosis type II. Also called: Mucolipidosis 2; ML 2; Inclusion cell disease; Leroy Disease; N-acetylglucosamine 1phosphotransferase deficiency; ML disorder type 2. Identifiers: Orphanet 576, MedGen C2673377, MONDO:0009650, OMIM 252500.
Pseudo-Hurler polydystrophy. Also called: ML IIIA; Mucolipidosis III Alpha/Beta; MUCOLIPIDOSIS IIIA; ML III; ML III ALPHA/BETA; Type III Mucolipidosis. Identifiers: Orphanet 423461, Orphanet 577, MedGen C0033788, MONDO:0018931, OMIM 252600.
Inborn genetic diseases. Identifiers: MedGen C0950123, MeSH D030342.

Allele frequency attached by ClinVar (database versions not stated): TOPMed below 0.00001.

Submissions (4):

Ambry Genetics
Classification: Uncertain significance for Inborn genetic diseases. Last evaluated: 2025-11-20. Review status: criteria provided, single submitter. Criteria: Ambry Variant Classification Scheme 2023. Collection method: clinical testing. Allele origin: germline.

Labcorp Genetics (formerly Invitae), Labcorp
Classification: Uncertain significance for Pseudo-Hurler polydystrophy; Mucolipidosis type II. Last evaluated: 2023-11-27. Review status: criteria provided, single submitter. Criteria: Invitae Variant Classification Sherloc (09022015). Collection method: clinical testing. Allele origin: germline.
Comment: This sequence change replaces proline, which is neutral and non-polar, with leucine, which is neutral and non-polar, at codon 696 of the GNPTAB protein (p.Pro696Leu). This variant is not present in population databases (gnomAD no frequency). This variant has not been reported in the literature in individuals affected with GNPTAB-related conditions. ClinVar contains an entry for this variant (Variation ID: 1042250). Advanced modeling of protein sequence and biophysical properties (such as structural, functional, and spatial information, amino acid conservation, physicochemical variation, residue mobility, and thermodynamic stability) performed at Invitae indicates that this missense variant is not expected to disrupt GNPTAB protein function with a negative predictive value of 80%. In summary, the available evidence is currently insufficient to determine the role of this variant in disease. Therefore, it has been classified as a Variant of Uncertain Significance.

Fulgent Genetics
Classification: Uncertain significance for Mucolipidosis type II; Pseudo-Hurler polydystrophy. Last evaluated: 2021-10-29. Review status: criteria provided, single submitter. Criteria: ACMG Guidelines, 2015. Collection method: clinical testing. Allele origin: unknown.

Natera, Inc.
Classification: Uncertain significance for Mucolipidosis type II. Last evaluated: 2020-02-26. Review status: no assertion criteria provided. Collection method: clinical testing. Allele origin: germline. Not counted in ClinVar's aggregate classification.